The following is an entry in ClinVar:

ClinVar aggregate classification (germline): Uncertain significance. Review status: criteria provided, multiple submitters, no conflicts (2 of 4 stars). 3 submissions from 3 submitters: Uncertain significance (3). Last evaluated 2026-01-27.

Conditions:
Malignant hyperthermia, susceptibility to, 1 (MHS1). Also called: Malignant hyperthermia suceptibility 1; Anesthesia related hyperthermia; Malignant hyperpyrexia; Fulminating hyperpyrexia; Pharmacogenic myopathy; RYR1-Related Malignant Hyperthermia Susceptibility. Identifiers: Orphanet 423, MedGen C2930980, MONDO:0007783, OMIM 145600.
Central core myopathy (CMYO1A). Also called: CONGENITAL MYOPATHY 1A, AUTOSOMAL DOMINANT, WITH SUSCEPTIBILITY TO MALIGNANT HYPERTHERMIA; Central core disease; Myopathy, central fibrillar. Identifiers: Orphanet 597, MedGen C5830701, MONDO:0007294, OMIM 117000.

Submissions (3):

GeneDx
Classification: Uncertain significance. Last evaluated: 2026-01-27. Review status: criteria provided, single submitter. Criteria: GeneDx Variant Classification Process June 2021. Collection method: clinical testing. Allele origin: germline.
Comment: Not observed at significant frequency in large population cohorts (gnomAD); In silico analysis supports that this missense variant has a deleterious effect on protein structure/function; Has not been previously published as pathogenic or benign to our knowledge

Color Diagnostics, LLC DBA Color Health
Classification: Uncertain significance for Malignant hyperthermia, susceptibility to, 1. Last evaluated: 2025-07-17. Review status: criteria provided, single submitter. Criteria: ACMG Guidelines, 2015. Collection method: clinical testing. Allele origin: germline.
Comment: This missense variant replaces proline with leucine at codon 2560 of the RYR1 protein. Computational prediction is inconclusive regarding the impact of this variant on protein structure and function. To our knowledge, functional studies have not been reported for this variant. This variant has not been reported in individuals affected with RYR1-related disorders in the literature. This variant has been identified in 1/249830 chromosomes in the general population by the Genome Aggregation Database (gnomAD). The available evidence is insufficient to determine the role of this variant in disease conclusively. Therefore, this variant is classified as a Variant of Uncertain Significance.

Genomic Medicine Center of Excellence, King Faisal Specialist Hospital and Research Centre
Classification: Uncertain significance for Central core myopathy. Last evaluated: 2024-03-29. Review status: criteria provided, single submitter. Criteria: ACMG Guidelines, 2015. Collection method: clinical testing. Allele origin: germline.

NM_000540.3(RYR1):c.7679C>T (p.Pro2560Leu)

Gene: RYR1 (ryanodine receptor 1; plus strand). Cytogenetic location: 19q13.2.
Variant type: single nucleotide variant.
Coding change: c.7679C>T on transcript NM_000540.3 (MANE Select); coding-DNA position 7679, C replaced by T.
Protein change: p.Pro2560Leu; replaces proline 2560 with leucine.
Molecular consequence: missense variant.
Genome position (GRCh38, 1-based): chr19:38,502,571, C>T. VCF-style: chr19-38502571-C-T. GRCh37 (hg19) VCF-style: chr19-38993211-C-T.
Other names: c.7679C>T, p.Pro2560Leu (NM_001042723.2); short protein forms P2560L.
Identifiers: ClinVar variation 3065844 (VCV003065844.3), dbSNP rs1164159550, ClinGen allele CA405671586.
Genomic context (GRCh38, chr19:38,502,571, plus strand): 5'-CTTTCAGCACCACCGAGATGGCGCTGGCGCTGAACCGCTACCTGTGCCTGGCCGTGCTGC[C>T]GCTCATCACCAAGTGTGCGCCGCTCTTTGCGGGCACAGAACACCGCGCCATCATGGTGGA-3'
Protein context (NP_000531.2, residues 2550-2570): LNRYLCLAVL[Pro2560Leu]LITKCAPLFA